The following is an entry in ClinVar:

ClinVar aggregate classification (germline): Uncertain significance. Review status: criteria provided, multiple submitters, no conflicts (2 of 4 stars). 2 submissions from 2 submitters: Uncertain significance (2). Last evaluated 2026-02-10.

Conditions:
Familial adenomatous polyposis 2. Also called: FAP type 2; MUTYH Polyposis; COLORECTAL ADENOMATOUS POLYPOSIS, AUTOSOMAL RECESSIVE; ADENOMAS, MULTIPLE COLORECTAL, AUTOSOMAL RECESSIVE; MUTYH-associated polyposis; MUTYH-related attenuated familial adenomatous polyposis. Identifiers: Orphanet 220460, Orphanet 247798, MedGen C3272841, MONDO:0012041, OMIM 608456.
Hereditary cancer-predisposing syndrome. Also called: Tumor predisposition; Hereditary Cancer Syndrome; Hereditary neoplastic syndrome; Neoplastic Syndromes, Hereditary. Identifiers: Orphanet 140162, MedGen C0027672, MeSH D009386, MONDO:0015356.

Submissions (2):

Ambry Genetics
Classification: Uncertain significance for Hereditary cancer-predisposing syndrome. Last evaluated: 2026-02-10. Review status: criteria provided, single submitter. Criteria: Ambry Variant Classification Scheme 2023. Collection method: clinical testing. Allele origin: germline.
Comment: The c.348G>T variant (also known as p.R116R) is located in coding exon 3 of the MUTYH gene. This variant results from a G to T substitution at nucleotide position 348. This nucleotide substitution does not change the arginine at codon 116. However, this change occurs in the last base pair of coding exon 3, which makes it likely to have some effect on normal mRNA splicing. This nucleotide position is well conserved in available vertebrate species. In silico splice site analysis predicts that this alteration will weaken the native splice donor site. Based on the available evidence, the clinical significance of this variant remains unclear.

Labcorp Genetics (formerly Invitae), Labcorp
Classification: Uncertain significance for Familial adenomatous polyposis 2. Last evaluated: 2023-06-05. Review status: criteria provided, single submitter. Criteria: Invitae Variant Classification Sherloc (09022015). Collection method: clinical testing. Allele origin: germline.
Comment: This variant has not been reported in the literature in individuals affected with MUTYH-related conditions. ClinVar contains an entry for this variant (Variation ID: 823834). Variants that disrupt the consensus splice site are a relatively common cause of aberrant splicing (PMID: 17576681, 9536098). Studies have shown that this variant results in skipping of exon 3 and introduces a premature termination codon (Invitae). The resulting mRNA is expected to undergo nonsense-mediated decay. In summary, the available evidence is currently insufficient to determine the role of this variant in disease. Therefore, it has been classified as a Variant of Uncertain Significance. This variant is not present in population databases (gnomAD no frequency). This sequence change affects codon 116 of the MUTYH mRNA. It is a 'silent' change, meaning that it does not change the encoded amino acid sequence of the MUTYH protein. RNA analysis indicates that this variant induces altered splicing and may result in an absent or disrupted protein product.

Literature cited by the submitters: PubMed 17576681 (cited by Labcorp Genetics (formerly Invitae), Labcorp); PubMed 9536098 (cited by Labcorp Genetics (formerly Invitae), Labcorp).

NM_001048174.2(MUTYH):c.264G>T (p.Arg88=)

Gene: MUTYH (mutY DNA glycosylase; minus strand). Cytogenetic location: 1p34.1.
Variant type: single nucleotide variant.
Coding change: c.264G>T on transcript NM_001048174.2 (MANE Select); coding-DNA position 264, G replaced by T.
Protein change: p.Arg88=; no amino-acid change (arginine 88 retained).
Molecular consequence: synonymous variant. On other transcripts: 5 prime UTR variant (4), non-coding transcript variant (2).
Genome position (GRCh38, 1-based): chr1:45,333,413, C>A on the plus strand (G>T on the coding strand, the complement: MUTYH is on the minus strand). VCF-style: chr1-45333413-C-A. GRCh37 (hg19) VCF-style: chr1-45799085-C-A.
Other names: c.264G>T, p.Arg88= (NM_001048171.2, NM_001048173.2, NM_001293195.2); c.267G>T, p.Arg89= (NM_001048172.2); c.348G>T, p.Arg116= (NM_001128425.2); c.309G>T, p.Arg103= (NM_001293190.2); c.297G>T, p.Arg99= (NM_001293191.2); c.-13G>T (NM_001293192.2, NM_001293196.2); c.-8G>T (NM_001350650.2, NM_001350651.2); c.339G>T, p.Arg113= (NM_012222.3).
Identifiers: ClinVar variation 823834 (VCV000823834.8), dbSNP rs1292833913, ClinGen allele CA417880363.